The following is an entry in ClinVar:

NM_000455.5(STK11):c.*318G>A

Gene: STK11 (serine/threonine kinase 11; plus strand). Cytogenetic location: 19p13.3.
Variant type: single nucleotide variant.
Coding change: c.*318G>A on transcript NM_000455.5 (MANE Select); 318 bases downstream of the stop codon, G replaced by A.
Molecular consequence: 3 prime UTR variant. On other transcripts: non-coding transcript variant (1).
Genome position (GRCh38, 1-based): chr19:1,227,894, G>A. VCF-style: chr19-1227894-G-A. GRCh37 (hg19) VCF-style: chr19-1227893-G-A.
Identifiers: ClinVar variation 4879471 (VCV004879471.1), dbSNP rs1353106249.

ClinVar aggregate classification (germline): Likely benign (1 of 4 stars; one submission).

Conditions:
Hereditary cancer-predisposing syndrome. Also called: Tumor predisposition; Neoplastic Syndromes, Hereditary; Hereditary neoplastic syndrome; Hereditary Cancer Syndrome. Identifiers: Orphanet 140162, MedGen C0027672, MeSH D009386, MONDO:0015356.

gnomAD v4.1: 3 of 1,069,294 alleles (0.00028%); highest among the groups gnomAD compares: Admixed American, 0.011%; no homozygotes.

Submission:

Institute for Biomarker Research, Medical Diagnostic Laboratories, L.L.C.
Classification: Likely benign for Hereditary cancer-predisposing syndrome. Last evaluated: 2026-06-01. Review status: criteria provided, single submitter. Criteria: ACMG Guidelines, 2015. Collection method: clinical testing. Allele origin: germline.
Comment: The 3' UTR variant NM_000455.5(STK11):c.*318G>A is not currently classified as pathogenic or benign in clinical sources. The c.*318G>A variant is a UTR variant. For these reasons, this variant has been classified as Likely Benign.